The following is an entry in ClinVar:

ClinVar aggregate classification (germline): Pathogenic (1 of 4 stars; one submission).

Conditions:
Rhabdoid tumor predisposition syndrome 2 (RTPS2). Identifiers: Orphanet 231108, Orphanet 69077, MedGen C2750074, MONDO:0013224, OMIM 613325.

Submission:

Labcorp Genetics (formerly Invitae), Labcorp
Classification: Pathogenic for Rhabdoid tumor predisposition syndrome 2. Last evaluated: 2024-04-13. Review status: criteria provided, single submitter. Criteria: Invitae Variant Classification Sherloc (09022015). Collection method: clinical testing. Allele origin: germline.
Comment: This sequence change creates a premature translational stop signal (p.Gln756Thrfs*68) in the SMARCA4 gene. It is expected to result in an absent or disrupted protein product. Loss-of-function variants in SMARCA4 are known to be pathogenic (PMID: 24658001, 24658002). This variant is not present in population databases (gnomAD no frequency). This variant has not been reported in the literature in individuals affected with SMARCA4-related conditions. For these reasons, this variant has been classified as Pathogenic.

Literature cited by the submitters: PubMed 24658001; PubMed 24658002.

NM_003072.5(SMARCA4):c.2265dup (p.Gln756fs)

Gene: SMARCA4 (SWI/SNF related BAF chromatin remodeling complex subunit ATPase 4; plus strand). Cytogenetic location: 19p13.2.
Variant type: Duplication.
Coding change: c.2265dup on transcript NM_003072.5 (MANE Select); coding-DNA position 2265, one base duplicated (A; older notation c.2265dupA).
Protein change: p.Gln756fs; shifts the reading frame from glutamine 756.
Molecular consequence: frameshift variant. On other transcripts: non-coding transcript variant (1).
Genome position (GRCh38, 1-based): chr19:11,010,522, A duplicated; the last of 3 consecutive A bases (chr19:11,010,520-11,010,522); duplicating any one gives the same sequence. VCF-style (leftmost placement, unchanged base first): chr19-11010519-C-CA. GRCh37 (hg19) VCF-style: chr19-11121195-C-CA.
Other names: c.2265dup, p.Gln756fs (NM_001128844.3, NM_001128845.2, NM_001128846.2 and 6 more transcripts); short protein forms Q756fs.
Identifiers: ClinVar variation 3649747 (VCV003649747.2).